The following is an entry in ClinVar:

NM_000376.3(VDR):c.*1503G>A

Gene: VDR (vitamin D receptor; minus strand). Cytogenetic location: 12q13.11.
Variant type: single nucleotide variant.
Coding change: c.*1503G>A on transcript NM_000376.3 (MANE Select); 1503 bases downstream of the stop codon, G replaced by A.
Molecular consequence: 3 prime UTR variant.
Genome position (GRCh38, 1-based): chr12:47,843,243, C>T on the plus strand (G>A on the coding strand, the complement: VDR is on the minus strand). VCF-style: chr12-47843243-C-T. GRCh37 (hg19) VCF-style: chr12-48237026-C-T.
Other names: c.*1503G>A (NM_001017535.2, NM_001017536.2, NM_001374661.1 and 1 more transcripts); c.*1302G>A (NM_001364085.2).
Identifiers: ClinVar variation 880887 (VCV000880887.4), dbSNP rs115591719, ClinGen allele CA236504733.

ClinVar aggregate classification (germline): Benign (1 of 4 stars; one submission).

Conditions:
Vitamin D-dependent rickets type II with alopecia (VDDR2A). Also called: GENERALIZED RESISTANCE TO 1,25-DIHYDROXYVITAMIN D; HYPOCALCEMIC VITAMIN D-RESISTANT RICKETS; PDDR IIA; PSEUDOVITAMIN D-DEFICIENCY, TYPE IIA; RICKETS, HEREDITARY VITAMIN D-RESISTANT; RICKETS-ALOPECIA SYNDROME. Identifiers: Orphanet 93160, MedGen C0342646, MONDO:0010186, OMIM 277440.

Allele frequency attached by ClinVar (database versions not stated): gnomAD 0.01336 and 0.01430; TOPMed 0.01518; 1000 Genomes Project 0.01717; 1000 Genomes Project 30x 0.01718.

Submission:

Illumina Laboratory Services, Illumina
Classification: Benign for Vitamin D-dependent rickets type II with alopecia. Last evaluated: 2017-04-28. Review status: criteria provided, single submitter. Criteria: ICSL Variant Classification Criteria 13 December 2019. Collection method: clinical testing. Allele origin: germline.
Comment: This variant was observed as part of a predisposition screen in an ostensibly healthy population. A literature search was performed for the gene, cDNA change, and amino acid change (where applicable). No publications were found based on this search. Allele frequency data from public databases was too high to be consistent with this variant causing disease. Therefore, this variant is classified as benign.